The following is an entry in ClinVar:

ClinVar aggregate classification (germline): Likely benign. Review status: criteria provided, multiple submitters, no conflicts (2 of 4 stars). 2 submissions from 2 submitters: Likely benign (2). Last evaluated 2026-03-03.

Allele frequency attached by ClinVar (database versions not stated): TOPMed 0.00001; ExAC 0.00002; ESP Exome Variant Server 0.00016.
gnomAD v4.1: 41 of 1,614,030 alleles (0.0025%); highest among the groups gnomAD compares: East Asian, 0.0045%; no homozygotes.

Submissions (2):

Women's Health and Genetics/Laboratory Corporation of America, LabCorp
Classification: Likely benign. Last evaluated: 2026-03-03. Review status: criteria provided, single submitter. Criteria: LabCorp Variant Classification Summary - May 2015. Collection method: clinical testing. Allele origin: germline.

CeGaT Center for Human Genetics Tuebingen
Classification: Likely benign. Last evaluated: 2023-08-01. Review status: criteria provided, single submitter. Criteria: CeGaT Center For Human Genetics Tuebingen Variant Classification Criteria Version 2. Collection method: clinical testing. Allele origin: germline. Affected: yes. Observed: 1 variant allele.
Comment: CACNA1G: BP4, BP7

NM_018896.5(CACNA1G):c.5094C>T (p.Asn1698=)

Gene: CACNA1G (calcium voltage-gated channel subunit alpha1 G; plus strand). Cytogenetic location: 17q21.33.
Variant type: single nucleotide variant.
Coding change: c.5094C>T on transcript NM_018896.5 (MANE Select); coding-DNA position 5094, C replaced by T.
Protein change: p.Asn1698=; no amino-acid change (asparagine 1698 retained).
Molecular consequence: synonymous variant. On other transcripts: non-coding transcript variant (5).
Genome position (GRCh38, 1-based): chr17:50,617,510, C>T. VCF-style: chr17-50617510-C-T. GRCh37 (hg19) VCF-style: chr17-48694871-C-T.
Other names: c.5040C>T, p.Asn1680= (NM_001256324.2, NM_001256328.2, NM_198386.3); c.5115C>T, p.Asn1705= (NM_001256325.2); c.4959C>T, p.Asn1653= (NM_001256326.2, NM_001256330.2); c.5094C>T, p.Asn1698= (NM_001256327.2, NM_001256333.2, NM_198384.3 and 1 more transcripts); c.4992C>T, p.Asn1664= (NM_001256329.2, NM_198376.3, NM_198379.3 and 2 more transcripts); c.4938C>T, p.Asn1646= (NM_001256331.2); c.4923C>T, p.Asn1641= (NM_001256332.2); c.5061C>T, p.Asn1687= (NM_001256334.2, NM_198377.3, NM_198378.3 and 1 more transcripts); and 5 more.
Identifiers: ClinVar variation 2647927 (VCV002647927.25), dbSNP rs369755516, ClinGen allele CA8653289.